The following is an entry in ClinVar:

NM_000051.4(ATM):c.4546C>A (p.His1516Asn)

Gene: ATM (ATM serine/threonine kinase; plus strand). Cytogenetic location: 11q22.3.
Variant type: single nucleotide variant.
Coding change: c.4546C>A on transcript NM_000051.4 (MANE Select); coding-DNA position 4546, C replaced by A.
Protein change: p.His1516Asn; replaces histidine 1516 with asparagine.
Molecular consequence: missense variant.
Genome position (GRCh38, 1-based): chr11:108,292,728, C>A. VCF-style: chr11-108292728-C-A. GRCh37 (hg19) VCF-style: chr11-108163455-C-A.
Other names: c.4546C>A, p.His1516Asn (NM_001351834.2); c.4546C>A (NM_000051.3); short protein forms H1516N.
Identifiers: ClinVar variation 1018234 (VCV001018234.9), dbSNP rs1389372050, ClinGen allele CA382533793.

ClinVar aggregate classification (germline): Uncertain significance. Review status: criteria provided, multiple submitters, no conflicts (2 of 4 stars). 2 submissions from 2 submitters: Uncertain significance (2). Last evaluated 2026-02-11.

Conditions:
Hereditary cancer-predisposing syndrome. Also called: Hereditary Cancer Syndrome; Neoplastic Syndromes, Hereditary; Tumor predisposition; Hereditary neoplastic syndrome. Identifiers: Orphanet 140162, MedGen C0027672, MeSH D009386, MONDO:0015356.
Ataxia-telangiectasia syndrome (AT). Also called: LOUIS-BAR SYNDROME; Ataxia-telangiectasia, complementation group D; AT, COMPLEMENTATION GROUP C; ATAXIA-TELANGIECTASIA, COMPLEMENTATION GROUP A; ATAXIA-TELANGIECTASIA, FRESNO VARIANT; Ataxia-telangiectasia, complementation group E. Identifiers: Orphanet 100, MedGen C0004135, MONDO:0008840, OMIM 208900.

Submissions (2):

Ambry Genetics
Classification: Uncertain significance for Hereditary cancer-predisposing syndrome. Last evaluated: 2026-02-11. Review status: criteria provided, single submitter. Criteria: Ambry Variant Classification Scheme 2023. Collection method: clinical testing. Allele origin: germline.
Comment: The p.H1516N variant (also known as c.4546C>A), located in coding exon 29 of the ATM gene, results from a C to A substitution at nucleotide position 4546. The histidine at codon 1516 is replaced by asparagine, an amino acid with similar properties. In an assay testing ATM function, this variant showed a functionally normal/abnormal/indeterminant result (Lee KS et al. Cell, 2025 Sep;188:5081-5099.e27). This amino acid position is highly conserved in available vertebrate species. In addition, the in silico prediction for this alteration is inconclusive. Based on the available evidence, the clinical significance of this variant remains unclear.

Labcorp Genetics (formerly Invitae), Labcorp
Classification: Uncertain significance for Ataxia-telangiectasia syndrome. Last evaluated: 2020-08-18. Review status: criteria provided, single submitter. Criteria: Invitae Variant Classification Sherloc (09022015). Collection method: clinical testing. Allele origin: germline.
Comment: This sequence change replaces histidine with asparagine at codon 1516 of the ATM protein (p.His1516Asn). The histidine residue is highly conserved and there is a small physicochemical difference between histidine and asparagine. This variant is not present in population databases (ExAC no frequency). This variant has not been reported in the literature in individuals with ATM-related conditions. Advanced modeling of protein sequence and biophysical properties (such as structural, functional, and spatial information, amino acid conservation, physicochemical variation, residue mobility, and thermodynamic stability) performed at Invitae indicates that this missense variant is not expected to disrupt ATM protein function. In summary, the available evidence is currently insufficient to determine the role of this variant in disease. Therefore, it has been classified as a Variant of Uncertain Significance.

Literature cited by the submitters: PubMed 40580951 (cited by Ambry Genetics).